The following is an entry in ClinVar:

NM_004006.3(DMD):c.8984T>C (p.Val2995Ala)

Gene: DMD (dystrophin; minus strand). Cytogenetic location: Xp21.2.
Variant type: single nucleotide variant.
Coding change: c.8984T>C on transcript NM_004006.3 (MANE Select); coding-DNA position 8984, T replaced by C.
Protein change: p.Val2995Ala; replaces valine 2995 with alanine.
Molecular consequence: missense variant.
Genome position (GRCh38, 1-based): chrX:31,444,581, A>G on the plus strand (T>C on the coding strand, the complement: DMD is on the minus strand). VCF-style: chrX-31444581-A-G. GRCh37 (hg19) VCF-style: chrX-31462698-A-G.
Other names: c.8960T>C, p.Val2987Ala (NM_000109.4); c.8972T>C, p.Val2991Ala (NM_004009.3); c.8615T>C, p.Val2872Ala (NM_004010.3); c.4961T>C, p.Val1654Ala (NM_004011.4); c.4952T>C, p.Val1651Ala (NM_004012.4); c.1604T>C, p.Val535Ala (NM_004013.3, NM_004020.4, NM_004021.3 and 2 more transcripts); c.797T>C, p.Val266Ala (NM_004014.3); short protein forms V266A, V2987A, V2991A, V535A, V1651A, V1654A, V2872A, V2995A.
Identifiers: ClinVar variation 2148932 (VCV002148932.2), dbSNP rs2524521251, ClinGen allele CA412655238.

ClinVar aggregate classification (germline): Uncertain significance (1 of 4 stars; one submission).

Conditions:
Duchenne muscular dystrophy (DMD). Also called: MUSCULAR DYSTROPHY, PSEUDOHYPERTROPHIC PROGRESSIVE, DUCHENNE TYPE; Duchenne Muscular Dystrophy (DMD). Identifiers: Orphanet 98896, MedGen C0013264, MONDO:0010679, OMIM 310200.

Allele frequency attached by ClinVar (database versions not stated): gnomAD exomes below 0.00001.
gnomAD v4.1: 3 of 1,211,568 alleles (0.00025%); highest among the groups gnomAD compares: East Asian, 0.0059%; no homozygotes.

Submission:

Labcorp Genetics (formerly Invitae), Labcorp
Classification: Uncertain significance for Duchenne muscular dystrophy. Last evaluated: 2024-02-23. Review status: criteria provided, single submitter. Criteria: Invitae Variant Classification Sherloc (09022015). Collection method: clinical testing. Allele origin: germline.
Comment: This sequence change replaces valine, which is neutral and non-polar, with alanine, which is neutral and non-polar, at codon 2995 of the DMD protein (p.Val2995Ala). This variant is not present in population databases (gnomAD no frequency). This variant has not been reported in the literature in individuals affected with DMD-related conditions. ClinVar contains an entry for this variant (Variation ID: 2148932). Advanced modeling of protein sequence and biophysical properties (such as structural, functional, and spatial information, amino acid conservation, physicochemical variation, residue mobility, and thermodynamic stability) performed at Invitae indicates that this missense variant is not expected to disrupt DMD protein function with a negative predictive value of 95%. In summary, the available evidence is currently insufficient to determine the role of this variant in disease. Therefore, it has been classified as a Variant of Uncertain Significance.